The following is an entry in ClinVar:

NM_001372.4(DNAH9):c.12826C>G (p.Leu4276Val)

Gene: DNAH9 (dynein axonemal heavy chain 9; plus strand). Cytogenetic location: 17p12.
Variant type: single nucleotide variant.
Coding change: c.12826C>G on transcript NM_001372.4 (MANE Select); coding-DNA position 12826, C replaced by G.
Protein change: p.Leu4276Val; replaces leucine 4276 with valine.
Molecular consequence: missense variant.
Genome position (GRCh38, 1-based): chr17:11,942,468, C>G. VCF-style: chr17-11942468-C-G. GRCh37 (hg19) VCF-style: chr17-11845785-C-G.
Other names: c.1762C>G, p.Leu588Val (NM_004662.2); short protein forms L588V, L4276V.
Identifiers: ClinVar variation 1911426 (VCV001911426.2), dbSNP rs764599803, ClinGen allele CA8398263.

ClinVar aggregate classification (germline): Uncertain significance (1 of 4 stars; one submission).

Allele frequency attached by ClinVar (database versions not stated): gnomAD exomes below 0.00001; ExAC 0.00002; gnomAD 0.00002; TOPMed 0.00004.
gnomAD v4.1: 9 of 1,613,844 alleles (0.00056%); highest among the groups gnomAD compares: African/African-American, 0.0093%; no homozygotes.

Submission:

Labcorp Genetics (formerly Invitae), Labcorp
Classification: Uncertain significance. Last evaluated: 2022-08-11. Review status: criteria provided, single submitter. Criteria: Invitae Variant Classification Sherloc (09022015). Collection method: clinical testing. Allele origin: germline.
Comment: This sequence change replaces leucine, which is neutral and non-polar, with valine, which is neutral and non-polar, at codon 4276 of the DNAH9 protein (p.Leu4276Val). This variant is present in population databases (rs764599803, gnomAD 0.02%). This variant has not been reported in the literature in individuals affected with DNAH9-related conditions. Algorithms developed to predict the effect of missense changes on protein structure and function are either unavailable or do not agree on the potential impact of this missense change (SIFT: "Deleterious"; PolyPhen-2: "Probably Damaging"; Align-GVGD: "Class C0"). In summary, the available evidence is currently insufficient to determine the role of this variant in disease. Therefore, it has been classified as a Variant of Uncertain Significance.